The following is an entry in ClinVar:

ClinVar aggregate classification (germline): Likely benign (1 of 4 stars; one submission).

gnomAD v4.1: 1 of 1,543,040 alleles (0.000065%); highest among the groups gnomAD compares: Non-Finnish European, 0.000088%; no homozygotes.

Submission:

CeGaT Center for Human Genetics Tuebingen
Classification: Likely benign. Last evaluated: 2026-03-01. Review status: criteria provided, single submitter. Criteria: CeGaT Center For Human Genetics Tuebingen Variant Classification Criteria Version 2. Collection method: clinical testing. Allele origin: germline. Affected: yes. Observed: 1 variant allele.
Comment: SCAF4: BP4, BP7

NM_020706.2(SCAF4):c.1359A>G (p.Arg453=)

Gene: SCAF4 (SR-related CTD associated factor 4; minus strand). Cytogenetic location: 21q22.11.
Variant type: single nucleotide variant.
Coding change: c.1359A>G on transcript NM_020706.2 (MANE Select); coding-DNA position 1359, A replaced by G.
Protein change: p.Arg453=; no amino-acid change (arginine 453 retained).
Molecular consequence: synonymous variant.
Genome position (GRCh38, 1-based): chr21:31,693,448, T>C on the plus strand (A>G on the coding strand, the complement: SCAF4 is on the minus strand). VCF-style: chr21-31693448-T-C. GRCh37 (hg19) VCF-style: chr21-33065761-T-C.
Other names: c.1314A>G, p.Arg438= (NM_001145444.1); c.1359A>G, p.Arg453= (NM_001145445.1).
Identifiers: ClinVar variation 4822661 (VCV004822661.4).